The following is an entry in ClinVar:

ClinVar aggregate classification (germline): Uncertain significance. Review status: criteria provided, multiple submitters, no conflicts (2 of 4 stars). 2 submissions from 2 submitters: Uncertain significance (2). Last evaluated 2026-01-18.

Conditions:
Hereditary cancer-predisposing syndrome. Also called: Neoplastic Syndromes, Hereditary; Hereditary neoplastic syndrome; Tumor predisposition; Hereditary Cancer Syndrome. Identifiers: Orphanet 140162, MedGen C0027672, MeSH D009386, MONDO:0015356.

Submissions (2):

Ambry Genetics
Classification: Uncertain significance for Hereditary cancer-predisposing syndrome. Last evaluated: 2026-01-18. Review status: criteria provided, single submitter. Criteria: Ambry Variant Classification Scheme 2023. Collection method: clinical testing. Allele origin: germline.
Comment: The p.R616S variant (also known as c.1846C>A), located in coding exon 12 of the CTNNA1 gene, results from a C to A substitution at nucleotide position 1846. The arginine at codon 616 is replaced by serine, an amino acid with dissimilar properties. This amino acid position is conserved. In addition, this alteration is predicted to be deleterious by in silico analysis. Based on the available evidence, the clinical significance of this variant remains unclear.

Labcorp Genetics (formerly Invitae), Labcorp
Classification: Uncertain significance. Last evaluated: 2025-10-18. Review status: criteria provided, single submitter. Criteria: Invitae Variant Classification Sherloc (09022015). Collection method: clinical testing. Allele origin: germline.
Comment: This sequence change replaces arginine, which is basic and polar, with serine, which is neutral and polar, at codon 616 of the CTNNA1 protein (p.Arg616Ser). This variant is not present in population databases (gnomAD no frequency). This variant has not been reported in the literature in individuals affected with CTNNA1-related conditions. Invitae Evidence Modeling of protein sequence and biophysical properties (such as structural, functional, and spatial information, amino acid conservation, physicochemical variation, residue mobility, and thermodynamic stability) indicates that this missense variant is not expected to disrupt CTNNA1 protein function with a negative predictive value of 80%. In summary, the available evidence is currently insufficient to determine the role of this variant in disease. Therefore, it has been classified as a Variant of Uncertain Significance.

NM_001903.5(CTNNA1):c.1846C>A (p.Arg616Ser)

Gene: CTNNA1 (catenin alpha 1; plus strand). Cytogenetic location: 5q31.2.
Variant type: single nucleotide variant.
Coding change: c.1846C>A on transcript NM_001903.5 (MANE Select); coding-DNA position 1846, C replaced by A.
Protein change: p.Arg616Ser; replaces arginine 616 with serine.
Molecular consequence: missense variant.
Genome position (GRCh38, 1-based): chr5:138,925,354, C>A. VCF-style: chr5-138925354-C-A. GRCh37 (hg19) VCF-style: chr5-138261043-C-A.
Other names: c.736C>A, p.Arg246Ser (NM_001324004.1, NM_001324005.1, NM_001290312.1 and 17 more transcripts); c.397C>A, p.Arg133Ser (NM_001324006.1, NM_001324007.1, NM_001324008.1 and 2 more transcripts); c.643C>A, p.Arg215Ser (NM_001324011.1); c.493C>A, p.Arg165Ser (NM_001324012.1, NM_001324013.1); c.1846C>A (NM_001903.2); c.1846C>A, p.Arg616Ser (NM_001290307.3, NM_001323982.2, NM_001323983.1 and 2 more transcripts); c.1537C>A, p.Arg513Ser (NM_001290309.3); c.1477C>A, p.Arg493Ser (NM_001290310.3); and 1 more; short protein forms R165S, R493S, R513S, R585S, R246S, R616S, R133S, R215S.
Identifiers: ClinVar variation 4743969 (VCV004743969.2).